The following is an entry in ClinVar:

NM_016373.4(WWOX):c.233A>G (p.His78Arg)

Gene: WWOX (WW domain containing oxidoreductase; plus strand). Cytogenetic location: 16q23.1.
Variant type: single nucleotide variant.
Coding change: c.233A>G on transcript NM_016373.4 (MANE Select); coding-DNA position 233, A replaced by G.
Protein change: p.His78Arg; replaces histidine 78 with arginine.
Molecular consequence: missense variant. On other transcripts: 5 prime UTR variant (1), non-coding transcript variant (1).
Genome position (GRCh38, 1-based): chr16:78,114,978, A>G. VCF-style: chr16-78114978-A-G. GRCh37 (hg19) VCF-style: chr16-78148875-A-G.
Other names: c.-107A>G (NM_001291997.2); c.233A>G, p.His78Arg (NM_130791.5); short protein forms H78R.
Identifiers: ClinVar variation 1015182 (VCV001015182.6), dbSNP rs375002918, ClinGen allele CA8183126.

ClinVar aggregate classification (germline): Uncertain significance (1 of 4 stars; one submission).

Conditions:
Autosomal recessive spinocerebellar ataxia 12. Also called: SPINOCEREBELLAR ATAXIA WITH MENTAL RETARDATION AND EPILEPSY. Identifiers: Orphanet 284282, MedGen C3280452, MONDO:0013687, OMIM 614322.
Developmental and epileptic encephalopathy, 1 (DEE1). Also called: X-linked infantile spasms; West's syndrome; Tonic spasms with clustering, arrest of psychomotor development and hypsarrhythmia on EEG; X-Linked Infantile Spasm Syndrome; OHTAHARA SYNDROME, X-LINKED; INFANTILE SPASM SYNDROME, X-LINKED 1. Identifiers: MedGen C3463992, MONDO:0010632, OMIM 308350. Disease mechanism: loss of function.

Allele frequency attached by ClinVar (database versions not stated): TOPMed 0.00001; ESP Exome Variant Server 0.00008.
gnomAD v4.1: 5 of 1,614,078 alleles (0.00031%); highest among the groups gnomAD compares: African/African-American, 0.0013%; no homozygotes.

Submission:

Labcorp Genetics (formerly Invitae), Labcorp
Classification: Uncertain significance for Developmental and epileptic encephalopathy, 1; Autosomal recessive spinocerebellar ataxia 12. Last evaluated: 2020-08-20. Review status: criteria provided, single submitter. Criteria: Invitae Variant Classification Sherloc (09022015). Collection method: clinical testing. Allele origin: germline.
Comment: In summary, the available evidence is currently insufficient to determine the role of this variant in disease. Therefore, it has been classified as a Variant of Uncertain Significance. Algorithms developed to predict the effect of missense changes on protein structure and function are either unavailable or do not agree on the potential impact of this missense change (SIFT: "Not Available"; PolyPhen-2: "Benign"; Align-GVGD: "Not Available"). This variant has not been reported in the literature in individuals with WWOX-related conditions. This variant is present in population databases (rs375002918, ExAC 0.01%). This sequence change replaces histidine with arginine at codon 78 of the WWOX protein (p.His78Arg). The histidine residue is highly conserved and there is a small physicochemical difference between histidine and arginine.